The following is an entry in ClinVar:

ClinVar aggregate classification (germline): Uncertain significance (1 of 4 stars; one submission).

Conditions:
Psoriasis 2. Identifiers: MedGen C1864497, MONDO:0011269, OMIM 602723.
Pityriasis rubra pilaris (PRP). Also called: Pityriasis rubra pilaris--familial type. Identifiers: Orphanet 2897, MedGen C0032027, MONDO:0100017, OMIM 173200, MONDO:0008251.

Submission:

Labcorp Genetics (formerly Invitae), Labcorp
Classification: Uncertain significance for Pityriasis rubra pilaris; Psoriasis 2. Last evaluated: 2025-06-25. Review status: criteria provided, single submitter. Criteria: Invitae Variant Classification Sherloc (09022015). Collection method: clinical testing. Allele origin: germline.
Comment: This sequence change replaces lysine, which is basic and polar, with arginine, which is basic and polar, at codon 995 of the CARD14 protein (p.Lys995Arg). This variant is not present in population databases (gnomAD no frequency). This variant has not been reported in the literature in individuals affected with CARD14-related conditions. Invitae Evidence Modeling of protein sequence and biophysical properties (such as structural, functional, and spatial information, amino acid conservation, physicochemical variation, residue mobility, and thermodynamic stability) indicates that this missense variant is not expected to disrupt CARD14 protein function with a negative predictive value of 95%. In summary, the available evidence is currently insufficient to determine the role of this variant in disease. Therefore, it has been classified as a Variant of Uncertain Significance.

NM_001366385.1(CARD14):c.2984A>G (p.Lys995Arg)

Genes: SGSH (N-sulfoglucosamine sulfohydrolase; minus strand), CARD14 (caspase recruitment domain family member 14; plus strand). Cytogenetic location: 17q25.3.
Variant type: single nucleotide variant.
Coding change: c.2984A>G on transcript NM_001366385.1 (MANE Select); coding-DNA position 2984, A replaced by G.
Protein change: p.Lys995Arg; replaces lysine 995 with arginine.
Molecular consequence: missense variant. On other transcripts: non-coding transcript variant (1).
Genome position (GRCh38, 1-based): chr17:80,208,314, A>G. VCF-style: chr17-80208314-A-G. GRCh37 (hg19) VCF-style: chr17-78182113-A-G.
Other names: c.2984A>G, p.Lys995Arg (NM_024110.4); short protein forms K995R.
Identifiers: ClinVar variation 4783643 (VCV004783643.1).